The following is an entry in ClinVar:

NM_001332.4(CTNND2):c.1858G>A (p.Val620Met)

Gene: CTNND2 (catenin delta 2; minus strand). Cytogenetic location: 5p15.2.
Variant type: single nucleotide variant.
Coding change: c.1858G>A on transcript NM_001332.4 (MANE Select); coding-DNA position 1858, G replaced by A.
Protein change: p.Val620Met; replaces valine 620 with methionine.
Molecular consequence: missense variant. On other transcripts: non-coding transcript variant (1).
Genome position (GRCh38, 1-based): chr5:11,199,565, C>T on the plus strand (G>A on the coding strand, the complement: CTNND2 is on the minus strand). VCF-style: chr5-11199565-C-T. GRCh37 (hg19) VCF-style: chr5-11199677-C-T.
Other names: c.1585G>A, p.Val529Met (NM_001288715.1); c.847G>A, p.Val283Met (NM_001288716.1, NM_001364128.2); c.559G>A, p.Val187Met (NM_001288717.2); short protein forms V620M, V283M, V187M, V529M.
Identifiers: ClinVar variation 3270154 (VCV003270154.1).
Genomic context (GRCh38, chr5:11,199,565, plus strand): 5'-CTGGGATGCCACCACAGTTTTTCAGGGCAATTTTGTTATCATCGTTGGCCTTCCCATACA[C>T]CAGGTTTCTCAGAGCTCCACAGGCACTACGGTGGACTTCGGTCATCCGATGATCCAACAG-3'
Protein context (NP_001323.1, residues 610-630): RSACGALRNL[Val620Met]YGKANDDNKI

ClinVar aggregate classification (germline): Uncertain significance (1 of 4 stars; one submission).

Conditions:
Inborn genetic diseases. Identifiers: MedGen C0950123, MeSH D030342.

gnomAD v4.1: 4 of 1,614,060 alleles (0.00025%); highest among the groups gnomAD compares: African/African-American, 0.0053%; no homozygotes.

Submission:

Ambry Genetics
Classification: Uncertain significance for Inborn genetic diseases. Last evaluated: 2024-04-29. Review status: criteria provided, single submitter. Criteria: Ambry Variant Classification Scheme 2023. Collection method: clinical testing. Allele origin: germline.
Comment: The c.1858G>A (p.V620M) alteration is located in exon 11 (coding exon 11) of the CTNND2 gene. This alteration results from a G to A substitution at nucleotide position 1858, causing the valine (V) at amino acid position 620 to be replaced by a methionine (M). This variant was not reported in population-based cohorts in the Genome Aggregation Database (gnomAD). This amino acid position is highly conserved in available vertebrate species. This alteration is predicted to be deleterious by in silico analysis. Based on insufficient or conflicting evidence, the clinical significance of this alteration remains unclear.